The following is an entry in ClinVar:

NC_000002.11:g.(?_152475955)_(152476286_?)del

Gene: NEB (nebulin; minus strand). Cytogenetic location: 2q23.3.
Variant type: Deletion.
Identifiers: ClinVar variation 2424062 (VCV002424062.4).

ClinVar aggregate classification (germline): Pathogenic (1 of 4 stars; one submission).

Conditions:
Nemaline myopathy 2 (NEM2). Also called: Nemaline myopathy 2, autosomal recessive. Identifiers: MedGen C1850569, MONDO:0009725, OMIM 256030.

Submission:

Labcorp Genetics (formerly Invitae), Labcorp
Classification: Pathogenic for Nemaline myopathy 2. Last evaluated: 2022-03-02. Review status: criteria provided, single submitter. Criteria: Invitae Variant Classification Sherloc (09022015). Collection method: clinical testing. Allele origin: germline.
Comment: This variant is a gross deletion of the genomic region encompassing exon(s) 73 of the NEB gene. This variant would be expected to be in-frame, preserving the integrity of the reading frame. For these reasons, this variant has been classified as Pathogenic. This variant disrupts a region of the NEB protein in which other variant(s) (p.Arg3559Gly) have been determined to be pathogenic (PMID: 31127727). This suggests that this is a clinically significant region of the protein, and that variants that disrupt it are likely to be disease-causing. This variant is also known as del ex73-int73. A similar copy number variant has been observed in individual(s) with nemaline myopathy (PMID: 25205138).

Literature cited by the submitters: PubMed 31127727; PubMed 25205138.